The following is an entry in ClinVar:

ClinVar aggregate classification (germline): Uncertain significance (1 of 4 stars; one submission).

Submission:

Ambry Genetics
Classification: Uncertain significance. Last evaluated: 2025-11-05. Review status: criteria provided, single submitter. Criteria: Ambry Variant Classification Scheme 2023. Collection method: clinical testing. Allele origin: germline.
Comment: The p.N622Y variant (also known as c.1864A>T), located in coding exon 14 of the RECQL gene, results from an A to T substitution at nucleotide position 1864. The asparagine at codon 622 is replaced by tyrosine, an amino acid with dissimilar properties. This amino acid position is conserved. In addition, this alteration is predicted to be tolerated by in silico analysis. Based on the available evidence, the clinical significance of this variant remains unclear.

NM_002907.4(RECQL):c.1864A>T (p.Asn622Tyr)

Genes: PYROXD1 (pyridine nucleotide-disulphide oxidoreductase domain 1; plus strand), RECQL (RecQ like helicase; minus strand). Cytogenetic location: 12p12.1.
Variant type: single nucleotide variant.
Coding change: c.1864A>T on transcript NM_002907.4 (MANE Select); coding-DNA position 1864, A replaced by T.
Protein change: p.Asn622Tyr; replaces asparagine 622 with tyrosine.
Molecular consequence: missense variant. On other transcripts: 3 prime UTR variant (3).
Genome position (GRCh38, 1-based): chr12:21,470,280, T>A on the plus strand (A>T on the coding strand, the complement: RECQL is on the minus strand). VCF-style: chr12-21470280-T-A. GRCh37 (hg19) VCF-style: chr12-21623214-T-A.
Other names: c.1864A>T, p.Asn622Tyr (NM_032941.3); c.*1526T>A (NM_001350912.2, NM_001350913.2, NM_024854.5); short protein forms N622Y.
Identifiers: ClinVar variation 4576946 (VCV004576946.1).